The following is an entry in ClinVar:

NM_001365536.1(SCN9A):c.2681A>T (p.Glu894Val)

Genes: SCN9A (sodium voltage-gated channel alpha subunit 9; minus strand), SCN1A-AS1 (SCN1A and SCN9A antisense RNA 1; plus strand). Cytogenetic location: 2q24.3.
Variant type: single nucleotide variant.
Coding change: c.2681A>T on transcript NM_001365536.1 (MANE Select); coding-DNA position 2681, A replaced by T.
Protein change: p.Glu894Val; replaces glutamic acid 894 with valine.
Molecular consequence: missense variant. On other transcripts: non-coding transcript variant (1).
Genome position (GRCh38, 1-based): chr2:166,277,176, T>A on the plus strand (A>T on the coding strand, the complement: SCN9A is on the minus strand). VCF-style: chr2-166277176-T-A. GRCh37 (hg19) VCF-style: chr2-167133686-T-A.
Other names: c.2648A>T, p.Glu883Val (NM_002977.4); short protein forms E883V, E894V.
Identifiers: ClinVar variation 2935696 (VCV002935696.3), dbSNP rs2468003191, ClinGen allele CA349077810.
Genomic context (GRCh38, chr2:166,277,176, plus strand): 5'-AAGAAGTCGTTCATGTGCCACCGTGGGAGCGTACAGTCATCATTGATCTTGCAGACACAT[T>A]CTTTGTAGCTCTTACCAAAGAGCTGCATGCCGACCACAGCAAAAATGAAGACGATGATGG-3'
Protein context (NP_001352465.1, residues 884-904): GMQLFGKSYK[Glu894Val]CVCKINDDCT

ClinVar aggregate classification (germline): Uncertain significance (1 of 4 stars; one submission).

Conditions:
Neuropathy, hereditary sensory and autonomic, type 2A (HSAN2A). Also called: MORVAN DISEASE; NEUROPATHY, CONGENITAL SENSORY; NEUROPATHY, HEREDITARY SENSORY RADICULAR, AUTOSOMAL RECESSIVE; NEUROPATHY, HEREDITARY SENSORY, TYPE IIA; NEUROPATHY, PROGRESSIVE SENSORY, OF CHILDREN; ACROOSTEOLYSIS, GIACCAI TYPE. Identifiers: Orphanet 970, MedGen C2752089, MONDO:0024309, OMIM 201300.
Generalized epilepsy with febrile seizures plus, type 7 (GEFSP7). Also called: GEFS+, TYPE 7. Identifiers: Orphanet 36387, MedGen C2751778, MONDO:0013470, OMIM 613863.

Allele frequency attached by ClinVar (database versions not stated): gnomAD exomes below 0.00001.
gnomAD v4.1: 1 of 1,613,980 alleles (0.000062%); highest among the groups gnomAD compares: Non-Finnish European, 0.000085%; no homozygotes.

Submission:

Labcorp Genetics (formerly Invitae), Labcorp
Classification: Uncertain significance for Neuropathy, hereditary sensory and autonomic, type 2A; Generalized epilepsy with febrile seizures plus, type 7. Last evaluated: 2022-12-16. Review status: criteria provided, single submitter. Criteria: Invitae Variant Classification Sherloc (09022015). Collection method: clinical testing. Allele origin: germline.
Comment: This variant has not been reported in the literature in individuals affected with SCN9A-related conditions. Advanced modeling of protein sequence and biophysical properties (such as structural, functional, and spatial information, amino acid conservation, physicochemical variation, residue mobility, and thermodynamic stability) performed at Invitae indicates that this missense variant is not expected to disrupt SCN9A protein function. In summary, the available evidence is currently insufficient to determine the role of this variant in disease. Therefore, it has been classified as a Variant of Uncertain Significance. This variant is not present in population databases (gnomAD no frequency). This sequence change replaces glutamic acid, which is acidic and polar, with valine, which is neutral and non-polar, at codon 883 of the SCN9A protein (p.Glu883Val).